The following is an entry in ClinVar:

NM_178857.6(RP1L1):c.29C>A (p.Ala10Asp)

Gene: RP1L1 (RP1 like 1). Cytogenetic location: 8p23.1.
Variant type: single nucleotide variant.
Coding change: c.29C>A on transcript NM_178857.6 (MANE Select); coding-DNA position 29, C replaced by A.
Protein change: p.Ala10Asp; replaces alanine 10 with aspartic acid.
Molecular consequence: missense variant.
Genome position (GRCh38, 1-based): chr8:10,623,173, G>T on the plus strand (C>A on the coding strand, the complement: RP1L1 is on the minus strand). VCF-style: chr8-10623173-G-T. GRCh37 (hg19) VCF-style: chr8-10480683-G-T.
Other names: c.29C>A (NM_178857.5); short protein forms A10D.
Identifiers: ClinVar variation 1907588 (VCV001907588.7), dbSNP rs760147119, ClinGen allele CA171955028.

ClinVar aggregate classification (germline): Uncertain significance. Review status: criteria provided, multiple submitters, no conflicts (2 of 4 stars). 3 submissions from 3 submitters: Uncertain significance (3). Last evaluated 2023-12-28.

Conditions:
Inborn genetic diseases. Identifiers: MedGen C0950123, MeSH D030342.

Allele frequency attached by ClinVar (database versions not stated): gnomAD 0.00002.
gnomAD v4.1: 24 of 1,577,896 alleles (0.0015%); highest among the groups gnomAD compares: Non-Finnish European, 0.0019%; no homozygotes.

Submissions (3):

Ambry Genetics
Classification: Uncertain significance for Inborn genetic diseases. Last evaluated: 2023-12-28. Review status: criteria provided, single submitter. Criteria: Ambry Variant Classification Scheme 2023. Collection method: clinical testing. Allele origin: germline.

Labcorp Genetics (formerly Invitae), Labcorp
Classification: Uncertain significance. Last evaluated: 2022-03-15. Review status: criteria provided, single submitter. Criteria: Invitae Variant Classification Sherloc (09022015). Collection method: clinical testing. Allele origin: germline.
Comment: This sequence change replaces alanine, which is neutral and non-polar, with aspartic acid, which is acidic and polar, at codon 10 of the RP1L1 protein (p.Ala10Asp). Advanced modeling of protein sequence and biophysical properties (such as structural, functional, and spatial information, amino acid conservation, physicochemical variation, residue mobility, and thermodynamic stability) performed at Invitae indicates that this missense variant is not expected to disrupt RP1L1 protein function. This variant has not been reported in the literature in individuals affected with RP1L1-related conditions. This variant is present in population databases (rs760147119, gnomAD 0.004%). In summary, the available evidence is currently insufficient to determine the role of this variant in disease. Therefore, it has been classified as a Variant of Uncertain Significance.

Blueprint Genetics
Classification: Uncertain significance. Last evaluated: 2018-08-12. Review status: criteria provided, single submitter. Criteria: ACMG Guidelines, 2015. Collection method: clinical testing. Allele origin: germline.